The following is an entry in ClinVar:

NM_001429.4(EP300):c.6279C>T (p.Ala2093=)

Gene: EP300 (EP300 lysine acetyltransferase; plus strand). Cytogenetic location: 22q13.2.
Variant type: single nucleotide variant.
Coding change: c.6279C>T on transcript NM_001429.4 (MANE Select); coding-DNA position 6279, C replaced by T.
Protein change: p.Ala2093=; no amino-acid change (alanine 2093 retained).
Molecular consequence: synonymous variant.
Genome position (GRCh38, 1-based): chr22:41,177,990, C>T. VCF-style: chr22-41177990-C-T. GRCh37 (hg19) VCF-style: chr22-41573994-C-T.
Other names: c.6279C>T (NM_001429.3); c.6201C>T, p.Ala2067= (NM_001362843.2).
Identifiers: ClinVar variation 2852660 (VCV002852660.5), dbSNP rs754090447, ClinGen allele CA514794036.

ClinVar aggregate classification (germline): Likely benign. Review status: criteria provided, single submitter (1 of 4 stars). 2 submissions from 2 submitters: Likely benign (1). 1 of the submissions does not count toward it. Last evaluated 2023-08-07.

Conditions:
EP300-related disorder. Also called: EP300-related condition; EP300-related disorders.
Rubinstein-Taybi syndrome due to EP300 haploinsufficiency. Also called: EP300-Related Rubinstein-Taybi Syndrome; RUBINSTEIN-TAYBI SYNDROME 2. Identifiers: Orphanet 353284, Orphanet 783, MedGen C3150941, MONDO:0013364, OMIM 613684.

Allele frequency attached by ClinVar (database versions not stated): gnomAD 0.00001.
gnomAD v4.1: 5 of 1,614,078 alleles (0.00031%); highest among the groups gnomAD compares: Middle Eastern, 0.033%; no homozygotes.

Submissions (2):

Labcorp Genetics (formerly Invitae), Labcorp
Classification: Likely benign for Rubinstein-Taybi syndrome due to EP300 haploinsufficiency. Last evaluated: 2023-08-07. Review status: criteria provided, single submitter. Criteria: Invitae Variant Classification Sherloc (09022015). Collection method: clinical testing. Allele origin: germline.

PreventionGenetics, part of Exact Sciences
Classification: Likely benign for EP300-related condition. Last evaluated: 2023-10-18. Review status: no assertion criteria provided. Collection method: clinical testing. Allele origin: germline. Not counted in ClinVar's aggregate classification.
Comment: This variant is classified as likely benign based on ACMG/AMP sequence variant interpretation guidelines (Richards et al. 2015 PMID: 25741868, with internal and published modifications).